The following is an entry in ClinVar:

ClinVar aggregate classification (germline): Conflicting classifications of pathogenicity. Review status: criteria provided, conflicting classifications (1 of 4 stars). 7 submissions from 7 submitters: Uncertain significance (1); Benign (3); Likely benign (2). 1 of the submissions does not count toward it. Last evaluated 2026-01-28.

Conditions:
STXBP2-related disorder. Also called: STXBP2-related condition.
Autoinflammatory syndrome. Identifiers: Orphanet 93665, MedGen C3890737, MONDO:0019751.
Familial hemophagocytic lymphohistiocytosis 5. Also called: STXBP2-Related Familial Hemophagocytic Lymphohistiocytosis (STXBP2-fHLH). Identifiers: Orphanet 540, MedGen C2751293, MONDO:0013135, OMIM 613101.

Allele frequency attached by ClinVar (database versions not stated): ESP Exome Variant Server 0.00031; TOPMed 0.00039; 1000 Genomes Project 30x 0.00125; 1000 Genomes Project 0.00160; gnomAD 0.00397 and 0.00417; ExAC 0.00596.

Submissions (7):

Labcorp Genetics (formerly Invitae), Labcorp
Classification: Benign for Familial hemophagocytic lymphohistiocytosis 5. Last evaluated: 2026-01-28. Review status: criteria provided, single submitter. Criteria: Invitae Variant Classification Sherloc (09022015). Collection method: clinical testing. Allele origin: germline.

Blueprint Genetics
Classification: Likely benign. Last evaluated: 2024-11-22. Review status: criteria provided, single submitter. Criteria: ACMG Guidelines, 2015. Collection method: clinical testing. Allele origin: germline.

CeGaT Center for Human Genetics Tuebingen
Classification: Likely benign. Last evaluated: 2024-04-01. Review status: criteria provided, single submitter. Criteria: CeGaT Center For Human Genetics Tuebingen Variant Classification Criteria Version 2. Collection method: clinical testing. Allele origin: germline. Affected: yes. Observed: 2 variant alleles.
Comment: STXBP2: BP4, BS2

Genetic Services Laboratory, University of Chicago
Classification: Benign. Last evaluated: 2021-04-19. Review status: criteria provided, single submitter. Criteria: ACMG Guidelines, 2015. Collection method: clinical testing. Allele origin: germline. Affected: no.

Genome Diagnostics Laboratory, The Hospital for Sick Children
Classification: Benign for Autoinflammatory syndrome. Last evaluated: 2020-04-01. Review status: criteria provided, single submitter. Criteria: ACMG Guidelines, 2015. Collection method: clinical testing. Allele origin: germline. Affected: yes.

Illumina Laboratory Services, Illumina
Classification: Uncertain significance for Familial hemophagocytic lymphohistiocytosis 5. Last evaluated: 2018-01-13. Review status: criteria provided, single submitter. Criteria: ICSL Variant Classification Criteria 13 December 2019. Collection method: clinical testing. Allele origin: germline.

PreventionGenetics, part of Exact Sciences
Classification: Benign for STXBP2-related condition. Last evaluated: 2020-02-11. Review status: no assertion criteria provided. Collection method: clinical testing. Allele origin: germline. Not counted in ClinVar's aggregate classification.
Comment: This variant is classified as benign based on ACMG/AMP sequence variant interpretation guidelines (Richards et al. 2015 PMID: 25741868, with internal and published modifications).

NM_006949.4(STXBP2):c.1375C>T (p.Arg459Trp)

Gene: STXBP2 (syntaxin binding protein 2; plus strand). Cytogenetic location: 19p13.2.
Variant type: single nucleotide variant.
Coding change: c.1375C>T on transcript NM_006949.4 (MANE Select); coding-DNA position 1375, C replaced by T.
Protein change: p.Arg459Trp; replaces arginine 459 with tryptophan.
Molecular consequence: missense variant. On other transcripts: non-coding transcript variant (1).
Genome position (GRCh38, 1-based): chr19:7,646,267, C>T. VCF-style: chr19-7646267-C-T. GRCh37 (hg19) VCF-style: chr19-7711153-C-T.
Other names: c.1366C>T, p.Arg456Trp (NM_001127396.3); c.1408C>T, p.Arg470Trp (NM_001272034.2); short protein forms R459W, R456W, R470W.
Identifiers: ClinVar variation 330556 (VCV000330556.44), dbSNP rs142105943, ClinGen allele CA9144133.
Genomic context (GRCh38, chr19:7,646,267, plus strand): 5'-TTCCCCTCAATCCCCCTGCTGCCCTCCCTGCCCTGCCTGTAGGGCTCGGGGACCTCCAGC[C>T]GGCTGGAGCCGAGAGAACGCATGGAGCCCACCTATCAGCTGTCCCGCTGGACCCCGGTCA-3'
Protein context (NP_008880.2, residues 449-469): TNPGGSGTSS[Arg459Trp]LEPRERMEPT